The following is an entry in ClinVar:

NM_020806.5(GPHN):c.964-4A>G

Gene: GPHN (gephyrin; plus strand). Cytogenetic location: 14q23.3.
Variant type: single nucleotide variant.
Coding change: c.964-4A>G on transcript NM_020806.5 (MANE Select); 4 bases into the intron before coding-DNA position 964, A replaced by G.
Molecular consequence: intron variant.
Genome position (GRCh38, 1-based): chr14:67,023,629, A>G. VCF-style: chr14-67023629-A-G. GRCh37 (hg19) VCF-style: chr14-67490346-A-G.
Other names: c.964-4A>G (NM_020806.4); c.1024-4A>G (NM_001377514.1); c.904-4A>G (NM_001377519.1); c.994-4A>G (NM_001377515.1); c.985-4A>G (NM_001377516.1); c.922-4A>G (NM_001377518.1); c.937-4A>G (NM_001377517.1); c.865-4A>G (NM_001024218.2).
Identifiers: ClinVar variation 2154414 (VCV002154414.6), dbSNP rs747289580, ClinGen allele CA7233918.

ClinVar aggregate classification (germline): Likely benign. Review status: criteria provided, single submitter (1 of 4 stars). 2 submissions from 2 submitters: Likely benign (1). 1 of the submissions does not count toward it. Last evaluated 2026-01-11.

Conditions:
GPHN-related disorder. Also called: GPHN-related condition.
Sulfite oxidase deficiency due to molybdenum cofactor deficiency type C. Also called: Molybdenum cofactor deficiency, complementation group C; Molybdenum cofactor deficiency C. Identifiers: Orphanet 308400, Orphanet 833, MedGen C1854990, MONDO:0014212, OMIM 615501.

Allele frequency attached by ClinVar (database versions not stated): TOPMed below 0.00001; ExAC 0.00001.
gnomAD v4.1: 2 of 1,612,678 alleles (0.00012%); no homozygotes.

Submissions (2):

Labcorp Genetics (formerly Invitae), Labcorp
Classification: Likely benign for Sulfite oxidase deficiency due to molybdenum cofactor deficiency type C. Last evaluated: 2026-01-11. Review status: criteria provided, single submitter. Criteria: Invitae Variant Classification Sherloc (09022015). Collection method: clinical testing. Allele origin: germline.

PreventionGenetics, part of Exact Sciences
Classification: Likely benign for GPHN-related condition. Last evaluated: 2019-08-15. Review status: no assertion criteria provided. Collection method: clinical testing. Allele origin: germline. Not counted in ClinVar's aggregate classification.
Comment: This variant is classified as likely benign based on ACMG/AMP sequence variant interpretation guidelines (Richards et al. 2015 PMID: 25741868, with internal and published modifications).